The following is an entry in ClinVar:

ClinVar aggregate classification (germline): Uncertain significance (1 of 4 stars; one submission).

Conditions:
Hereditary cancer-predisposing syndrome. Also called: Hereditary neoplastic syndrome; Hereditary Cancer Syndrome; Neoplastic Syndromes, Hereditary; Tumor predisposition. Identifiers: Orphanet 140162, MedGen C0027672, MeSH D009386, MONDO:0015356.

Submission:

Color Diagnostics, LLC DBA Color Health
Classification: Uncertain significance for Hereditary cancer-predisposing syndrome. Last evaluated: 2024-03-06. Review status: criteria provided, single submitter. Criteria: ACMG Guidelines, 2015. Collection method: clinical testing. Allele origin: germline.
Comment: This missense variant replaces serine with cysteine at codon 433 of the ATM protein. Computational prediction suggests that this variant may not impact protein structure and function (internally defined REVEL score threshold <= 0.5, PMID: 27666373). To our knowledge, functional studies have not been reported for this variant. This variant has not been reported in individuals affected with hereditary cancer in the literature. This variant has not been identified in the general population by the Genome Aggregation Database (gnomAD). The available evidence is insufficient to determine the role of this variant in disease conclusively. Therefore, this variant is classified as a Variant of Uncertain Significance.

NM_000051.4(ATM):c.1298C>G (p.Ser433Cys)

Gene: ATM (ATM serine/threonine kinase; plus strand). Cytogenetic location: 11q22.3.
Variant type: single nucleotide variant.
Coding change: c.1298C>G on transcript NM_000051.4 (MANE Select); coding-DNA position 1298, C replaced by G.
Protein change: p.Ser433Cys; replaces serine 433 with cysteine.
Molecular consequence: missense variant.
Genome position (GRCh38, 1-based): chr11:108,250,763, C>G. VCF-style: chr11-108250763-C-G. GRCh37 (hg19) VCF-style: chr11-108121490-C-G.
Other names: c.1298C>G, p.Ser433Cys (NM_001351834.2); short protein forms S433C.
Identifiers: ClinVar variation 2774096 (VCV002774096.2), dbSNP rs2135317776, ClinGen allele CA382533577.
Genomic context (GRCh38, chr11:108,250,763, plus strand): 5'-TACAGATTGCAACCCAATTAATATCAAAGTATCCTGCAAGTTTACCTAACTGTGAGCTGT[C>G]TCCATTACTGATGATACTATCTCAGCTTCTACCCCAACAGCGACATGGGGAACGTACACC-3'
Protein context (NP_000042.3, residues 423-443): YPASLPNCEL[Ser433Cys]PLLMILSQLL